The following is an entry in ClinVar:

NM_000179.3(MSH6):c.2710del (p.Asp904fs)

Gene: MSH6 (mutS homolog 6; plus strand). Cytogenetic location: 2p16.3.
Variant type: Deletion.
Coding change: c.2710del on transcript NM_000179.3 (MANE Select); coding-DNA position 2710, one base deleted (G; older notation c.2710delG).
Protein change: p.Asp904fs; shifts the reading frame from aspartic acid 904.
Molecular consequence: frameshift variant. On other transcripts: non-coding transcript variant (5), intron variant (2).
Genome position (GRCh38, 1-based): chr2:47,800,693, G deleted. VCF-style (leftmost placement, unchanged base first): chr2-47800692-TG-T. GRCh37 (hg19) VCF-style: chr2-48027831-TG-T.
Other names: c.2320del, p.Asp774fs (NM_001281492.2); c.1804del, p.Asp602fs (NM_001281493.2, NM_001281494.2, NM_001406811.1 and 6 more transcripts); c.2806del, p.Asp936fs (NM_001406795.1, NM_001406802.1); c.2710del, p.Asp904fs (NM_001406796.1, NM_001406798.1, NM_001406800.1 and 2 more transcripts); c.2413del, p.Asp805fs (NM_001406797.1, NM_001406801.1, NM_001406805.1 and 10 more transcripts); c.2185del, p.Asp729fs (NM_001406799.1, NM_001406806.1, NM_001406807.1); c.2632del, p.Asp878fs (NM_001406804.1); c.2716del, p.Asp906fs (NM_001406813.1); and 4 more; short protein forms D219fs, D602fs, D729fs, D774fs, D805fs, D848fs, D878fs, D904fs.
Identifiers: ClinVar variation 4077010 (VCV004077010.1).

ClinVar aggregate classification (germline): Likely pathogenic (1 of 4 stars; one submission).

Conditions:
Lynch syndrome. Identifiers: Orphanet 144, MedGen C4552100, MONDO:0005835. Disease mechanism: loss of function.

Submission:

GeneKor MSA
Classification: Likely pathogenic for Lynch syndrome. Last evaluated: 2025-06-20. Review status: criteria provided, single submitter. Criteria: ACMG Guidelines, 2015. Collection method: clinical testing. Allele origin: germline. Affected: yes.
Comment: This sequence alteration results in a frameshift that introduces a premature stop codon two amino acids downstream -p.(Asp904Ilefs*2) in the MSH6 gene. The variant is predicted to produce a truncated or non-functional protein product. Loss-of-function variants in MSH6 are a well-established mechanism of disease and are considered pathogenic (PMID:18269114, 24362816).This specific variant is absent from large population databases (e.g., gnomAD) and is not reported in ClinVar or the scientific literature in individuals affected by hereditary cancer syndromes. For these reasons, the variant is classified as likely pathogenic.

Literature cited by the submitters: PubMed 18269114; PubMed 24362816.